The following is an entry in ClinVar:

ClinVar aggregate classification (germline): Likely benign. Review status: criteria provided, multiple submitters, no conflicts (2 of 4 stars). 3 submissions from 3 submitters: Likely benign (3). Last evaluated 2025-07-03.

Conditions:
Malignant hyperthermia, susceptibility to, 1 (MHS1). Also called: Anesthesia related hyperthermia; Malignant hyperpyrexia; Fulminating hyperpyrexia; Pharmacogenic myopathy; Malignant hyperthermia suceptibility 1; RYR1-Related Malignant Hyperthermia Susceptibility. Identifiers: Orphanet 423, MedGen C2930980, MONDO:0007783, OMIM 145600.
RYR1-related disorder. Also called: RYR1-related condition; RYR1-related disorders. Identifiers: MedGen CN239331.

Allele frequency attached by ClinVar (database versions not stated): gnomAD 0.00001; gnomAD exomes 0.00001 and 0.00002; ExAC 0.00002; TOPMed 0.00002.
gnomAD v4.1: 15 of 1,613,180 alleles (0.00093%); highest among the groups gnomAD compares: East Asian, 0.011%; no homozygotes.

Submissions (3):

Labcorp Genetics (formerly Invitae), Labcorp
Classification: Likely benign for RYR1-related disorder. Last evaluated: 2025-07-03. Review status: criteria provided, single submitter. Criteria: Invitae Variant Classification Sherloc (09022015). Collection method: clinical testing. Allele origin: germline.

All of Us Research Program, National Institutes of Health
Classification: Likely benign for Malignant hyperthermia, susceptibility to, 1. Last evaluated: 2023-12-18. Review status: criteria provided, single submitter. Criteria: ACMG Guidelines, 2015. Collection method: clinical testing. Allele origin: germline. Inheritance: Autosomal dominant inheritance. Observed: 4 variant alleles, 4 heterozygotes.
Comment: This study involves interpretation of variants in research participants for the purpose of population health screening. Participant phenotype was not available at the time of variant classification. Additional details can be found in publication PMID: 35346344, PMCID: PMC8962531

Color Diagnostics, LLC DBA Color Health
Classification: Likely benign for Malignant hyperthermia, susceptibility to, 1. Last evaluated: 2022-11-06. Review status: criteria provided, single submitter. Criteria: ACMG Guidelines, 2015. Collection method: clinical testing. Allele origin: germline.

NM_000540.3(RYR1):c.525C>T (p.Ser175=)

Gene: RYR1 (ryanodine receptor 1; plus strand). Cytogenetic location: 19q13.2.
Variant type: single nucleotide variant.
Coding change: c.525C>T on transcript NM_000540.3 (MANE Select); coding-DNA position 525, C replaced by T.
Protein change: p.Ser175=; no amino-acid change (serine 175 retained).
Molecular consequence: synonymous variant.
Genome position (GRCh38, 1-based): chr19:38,444,249, C>T. VCF-style: chr19-38444249-C-T. GRCh37 (hg19) VCF-style: chr19-38934889-C-T.
Other names: c.525C>T, p.Ser175= (NM_001042723.2).
Identifiers: ClinVar variation 700599 (VCV000700599.10), dbSNP rs751478711, ClinGen allele CA066821.